The following is an entry in ClinVar:

NM_001276345.2(TNNT2):c.41+6T>C

Gene: TNNT2 (troponin T2, cardiac type; minus strand). Cytogenetic location: 1q32.1.
Variant type: single nucleotide variant.
Coding change: c.41+6T>C on transcript NM_001276345.2 (MANE Select); 6 bases into the intron after coding-DNA position 41, T replaced by C.
Molecular consequence: intron variant.
Genome position (GRCh38, 1-based): chr1:201,373,208, A>G on the plus strand (T>C on the coding strand, the complement: TNNT2 is on the minus strand). VCF-style: chr1-201373208-A-G. GRCh37 (hg19) VCF-style: chr1-201342336-A-G.
Other names: c.41+6T>C (NM_001406727.1, NM_001406724.1, NM_001001432.3 and 9 more transcripts).
Identifiers: ClinVar variation 3747964 (VCV003747964.2).

ClinVar aggregate classification (germline): Uncertain significance (1 of 4 stars; one submission).

Conditions:
Hypertrophic cardiomyopathy 2. Also called: TNNT2-Related Familial Hypertrophic Cardiomyopathy. Identifiers: MedGen C1861864, MONDO:0007266, OMIM 115195.
Cardiomyopathy, familial restrictive, 3. Identifiers: Orphanet 75249, MedGen C2676271, MONDO:0012900, OMIM 612422.
Dilated cardiomyopathy 1D. Identifiers: Orphanet 154, Orphanet 54260, MedGen C1832243, MONDO:0011095, OMIM 601494.

Submission:

Labcorp Genetics (formerly Invitae), Labcorp
Classification: Uncertain significance for Cardiomyopathy, familial restrictive, 3; Hypertrophic cardiomyopathy 2; Dilated cardiomyopathy 1D. Last evaluated: 2024-09-16. Review status: criteria provided, single submitter. Criteria: Invitae Variant Classification Sherloc (09022015). Collection method: clinical testing. Allele origin: germline.
Comment: This sequence change falls in intron 2 of the TNNT2 gene. It does not directly change the encoded amino acid sequence of the TNNT2 protein. It affects a nucleotide within the consensus splice site. This variant is not present in population databases (gnomAD no frequency). This variant has not been reported in the literature in individuals affected with TNNT2-related conditions. Variants that disrupt the consensus splice site are a relatively common cause of aberrant splicing (PMID: 17576681, 9536098). Algorithms developed to predict the effect of sequence changes on RNA splicing suggest that this variant may disrupt the consensus splice site. In summary, the available evidence is currently insufficient to determine the role of this variant in disease. Therefore, it has been classified as a Variant of Uncertain Significance.

Literature cited by the submitters: PubMed 17576681; PubMed 9536098.